The following is an entry in ClinVar:

ClinVar aggregate classification (germline): Uncertain significance (1 of 4 stars; one submission).

Allele frequency attached by ClinVar (database versions not stated): gnomAD exomes below 0.00001.
gnomAD v4.1: 1 of 1,614,194 alleles (0.000062%); highest among the groups gnomAD compares: Admixed American, 0.0017%; no homozygotes.

Submission:

Labcorp Genetics (formerly Invitae), Labcorp
Classification: Uncertain significance. Last evaluated: 2023-10-13. Review status: criteria provided, single submitter. Criteria: Invitae Variant Classification Sherloc (09022015). Collection method: clinical testing. Allele origin: germline.
Comment: This sequence change replaces threonine, which is neutral and polar, with alanine, which is neutral and non-polar, at codon 1288 of the ROBO2 protein (p.Thr1288Ala). This variant is present in population databases (no rsID available, gnomAD 0.003%). This variant has not been reported in the literature in individuals affected with ROBO2-related conditions. Advanced modeling of protein sequence and biophysical properties (such as structural, functional, and spatial information, amino acid conservation, physicochemical variation, residue mobility, and thermodynamic stability) performed at Invitae indicates that this missense variant is not expected to disrupt ROBO2 protein function. In summary, the available evidence is currently insufficient to determine the role of this variant in disease. Therefore, it has been classified as a Variant of Uncertain Significance.

NM_001395656.1(ROBO2):c.3874A>G (p.Thr1292Ala)

Gene: ROBO2 (roundabout guidance receptor 2; plus strand). Cytogenetic location: 3p12.3.
Variant type: single nucleotide variant.
Coding change: c.3874A>G on transcript NM_001395656.1 (MANE Select); coding-DNA position 3874, A replaced by G.
Protein change: p.Thr1292Ala; replaces threonine 1292 with alanine.
Molecular consequence: missense variant. On other transcripts: intron variant (1).
Genome position (GRCh38, 1-based): chr3:77,634,971, A>G. VCF-style: chr3-77634971-A-G. GRCh37 (hg19) VCF-style: chr3-77684122-A-G.
Other names: c.3910A>G, p.Thr1304Ala (NM_001128929.3); c.3874A>G, p.Thr1292Ala (NM_001290039.2); c.4057A>G, p.Thr1353Ala (NM_001290040.2, NM_001394212.1, NM_001395657.1); c.2083A>G, p.Thr695Ala (NM_001290065.2); c.3922A>G, p.Thr1308Ala (NM_001378190.1, NM_001378200.1, NM_001378201.1); c.4048A>G, p.Thr1350Ala (NM_001378191.1, NM_001378195.1, NM_001378196.1); c.3943A>G, p.Thr1315Ala (NM_001378192.1, NM_001378198.1, NM_001378199.1); c.3862A>G, p.Thr1288Ala (NM_001378193.1, NM_002942.5); and 6 more; short protein forms T1289A, T1292A, T1304A, T1350A, T695A, T1308A, T1311A, T1315A.
Identifiers: ClinVar variation 2978100 (VCV002978100.3), dbSNP rs1461932765, ClinGen allele CA353531205.